The following is an entry in ClinVar:

ClinVar aggregate classification (germline): Uncertain significance (1 of 4 stars; one submission).

Submission:

Labcorp Genetics (formerly Invitae), Labcorp
Classification: Uncertain significance. Last evaluated: 2024-05-04. Review status: criteria provided, single submitter. Criteria: Invitae Variant Classification Sherloc (09022015). Collection method: clinical testing. Allele origin: germline.
Comment: This sequence change replaces tyrosine, which is neutral and polar, with cysteine, which is neutral and slightly polar, at codon 56 of the CTSK protein (p.Tyr56Cys). This variant is not present in population databases (gnomAD no frequency). This variant has not been reported in the literature in individuals affected with CTSK-related conditions. Advanced modeling of protein sequence and biophysical properties (such as structural, functional, and spatial information, amino acid conservation, physicochemical variation, residue mobility, and thermodynamic stability) performed at Invitae indicates that this missense variant is not expected to disrupt CTSK protein function with a negative predictive value of 80%. In summary, the available evidence is currently insufficient to determine the role of this variant in disease. Therefore, it has been classified as a Variant of Uncertain Significance.

NM_000396.4(CTSK):c.167A>G (p.Tyr56Cys)

Gene: CTSK (cathepsin K; minus strand). Cytogenetic location: 1q21.3.
Variant type: single nucleotide variant.
Coding change: c.167A>G on transcript NM_000396.4 (MANE Select); coding-DNA position 167, A replaced by G.
Protein change: p.Tyr56Cys; replaces tyrosine 56 with cysteine.
Molecular consequence: missense variant.
Genome position (GRCh38, 1-based): chr1:150,806,178, T>C on the plus strand (A>G on the coding strand, the complement: CTSK is on the minus strand). VCF-style: chr1-150806178-T-C. GRCh37 (hg19) VCF-style: chr1-150778654-T-C.
Other names: short protein forms Y56C.
Identifiers: ClinVar variation 3652136 (VCV003652136.2).
Genomic context (GRCh38, chr1:150,806,178, plus strand): 5'-TTCATAGCCAGTTCATATGTATGGACACCAAGAGAAGCCTCAAGGTTATGGATGGAAATA[T>C]ACTTCAGGTTTTTTTCCCAAATTAAACGCCGAGAGATTTCATCCACCTAAACAAAGCATA-3'
Protein context (NP_000387.1, residues 46-66): RRLIWEKNLK[Tyr56Cys]ISIHNLEASL